The following is an entry in ClinVar:

NM_001367823.1(ARHGEF18):c.1060G>C (p.Gly354Arg)

Gene: ARHGEF18 (Rho/Rac guanine nucleotide exchange factor 18; plus strand). Cytogenetic location: 19p13.2.
Variant type: single nucleotide variant.
Coding change: c.1060G>C on transcript NM_001367823.1 (MANE Select); coding-DNA position 1060, G replaced by C.
Protein change: p.Gly354Arg; replaces glycine 354 with arginine.
Molecular consequence: missense variant.
Genome position (GRCh38, 1-based): chr19:7,440,436, G>C. VCF-style: chr19-7440436-G-C. GRCh37 (hg19) VCF-style: chr19-7505322-G-C.
Other names: c.334G>C, p.Gly112Arg (NM_001130955.2); c.22G>C, p.Gly8Arg (NM_001367824.1, NM_015318.4); short protein forms G8R, G112R, G354R.
Identifiers: ClinVar variation 2120278 (VCV002120278.4), dbSNP rs2512439695, ClinGen allele CA403096782.
Genomic context (GRCh38, chr19:7,440,436, plus strand): 5'-CTGTCCGATGGCAGCCCGGCCCTGTCCAGGAATGTCGGTATGACGGTCTCTCAGAAAGGG[G>C]GTCCCCAGCCAACACCGAGCCCGGCTGGCCCTGGGACGCAACTCGGGTAAGCCAGGGTCC-3'
Protein context (NP_001354752.1, residues 344-364): NVGMTVSQKG[Gly354Arg]PQPTPSPAGP

ClinVar aggregate classification (germline): Uncertain significance (1 of 4 stars; one submission).

Submission:

Labcorp Genetics (formerly Invitae), Labcorp
Classification: Uncertain significance. Last evaluated: 2022-11-22. Review status: criteria provided, single submitter. Criteria: Invitae Variant Classification Sherloc (09022015). Collection method: clinical testing. Allele origin: germline.
Comment: This sequence change replaces glycine, which is neutral and non-polar, with arginine, which is basic and polar, at codon 166 of the ARHGEF18 protein (p.Gly166Arg). In summary, the available evidence is currently insufficient to determine the role of this variant in disease. Therefore, it has been classified as a Variant of Uncertain Significance. Algorithms developed to predict the effect of missense changes on protein structure and function output the following: SIFT: "Tolerated"; PolyPhen-2: "Benign"; Align-GVGD: "Class C0". The arginine amino acid residue is found in multiple mammalian species, which suggests that this missense change does not adversely affect protein function. This variant has not been reported in the literature in individuals affected with ARHGEF18-related conditions. This variant is not present in population databases (gnomAD no frequency).